The following is an entry in ClinVar:

ClinVar aggregate classification (germline): Pathogenic (1 of 4 stars; one submission).

Conditions:
Nephronophthisis 9 (NPHP9). Identifiers: Orphanet 655, MedGen C3151188, MONDO:0013444, OMIM 613824.

Submission:

Labcorp Genetics (formerly Invitae), Labcorp
Classification: Pathogenic for Nephronophthisis 9. Last evaluated: 2025-05-31. Review status: criteria provided, single submitter. Criteria: Invitae Variant Classification Sherloc (09022015). Collection method: clinical testing. Allele origin: germline.
Comment: This sequence change creates a premature translational stop signal (p.Phe465Leufs*13) in the NEK8 gene. It is expected to result in an absent or disrupted protein product. Loss-of-function variants in NEK8 are known to be pathogenic (PMID: 23418306, 26967905). This variant is not present in population databases (gnomAD no frequency). This variant has not been reported in the literature in individuals affected with NEK8-related conditions. For these reasons, this variant has been classified as Pathogenic.

Literature cited by the submitters: PubMed 23418306; PubMed 26967905.

NM_178170.3(NEK8):c.1395del (p.Phe465fs)

Gene: NEK8 (NIMA related kinase 8; plus strand). Cytogenetic location: 17q11.2.
Variant type: Deletion.
Coding change: c.1395del on transcript NM_178170.3 (MANE Select); coding-DNA position 1395, one base deleted (T; older notation c.1395delT).
Protein change: p.Phe465fs; shifts the reading frame from phenylalanine 465.
Molecular consequence: frameshift variant.
Genome position (GRCh38, 1-based): chr17:28,739,179, T deleted; the last of 3 consecutive T bases (chr17:28,739,177-28,739,179); deleting any one gives the same sequence. VCF-style (leftmost placement, unchanged base first): chr17-28739176-AT-A. GRCh37 (hg19) VCF-style: chr17-27066194-AT-A.
Other names: short protein forms F465fs.
Identifiers: ClinVar variation 4717277 (VCV004717277.1).
Genomic context (GRCh38, chr17:28,739,176, plus strand): 5'-AATGGTGCAGGTGGCCTGTGGGGCCTCTCACGTGCTGGCCCTGTCCACTGAGCGAGAACT[AT>A]TTGCCTGGGGCCGTGGAGACAGCGGTAAGCTCCAGCCTTTAGGCCCCATCTCACAGCATC-3'